The following is an entry in ClinVar:

ClinVar aggregate classification (germline): Pathogenic/Likely pathogenic. Review status: criteria provided, multiple submitters, no conflicts (2 of 4 stars). 3 submissions from 3 submitters: Pathogenic (1); Likely pathogenic (2). Last evaluated 2024-03-14.

Conditions:
Peroxisome biogenesis disorder. Identifiers: Orphanet 79189, MedGen C1832200, MONDO:0019234. Disease mechanism: loss of function.
Zellweger spectrum disorders (ZS). Also called: Zellweger Spectrum Disorder; Zellweger Spectrum; Zellweger syndrome; Zellweger Spectrum Disorder (ZSD). Identifiers: Orphanet 912, MedGen C0043459, MONDO:0019609.
Heimler syndrome 1 (HMLR1). Also called: PEROXISOME BIOGENESIS DISORDER 1C. Identifiers: Orphanet 3220, MedGen C4551980, OMIM 234580, MONDO:0024544.

Submissions (3):

Labcorp Genetics (formerly Invitae), Labcorp
Classification: Pathogenic for Zellweger spectrum disorders. Last evaluated: 2024-03-14. Review status: criteria provided, single submitter. Criteria: Invitae Variant Classification Sherloc (09022015). Collection method: clinical testing. Allele origin: germline.
Comment: This sequence change creates a premature translational stop signal (p.Ile528Serfs*13) in the PEX1 gene. It is expected to result in an absent or disrupted protein product. Loss-of-function variants in PEX1 are known to be pathogenic (PMID: 21031596, 26387595, 31831025). This variant is not present in population databases (gnomAD no frequency). This variant has not been reported in the literature in individuals affected with PEX1-related conditions. ClinVar contains an entry for this variant (Variation ID: 2429151). Algorithms developed to predict the effect of sequence changes on RNA splicing suggest that this variant may disrupt the consensus splice site. For these reasons, this variant has been classified as Pathogenic.

Baylor Genetics
Classification: Likely pathogenic for Heimler syndrome 1. Last evaluated: 2023-06-08. Review status: criteria provided, single submitter. Criteria: ACMG Guidelines, 2015. Collection method: clinical testing. Allele origin: unknown.

Women's Health and Genetics/Laboratory Corporation of America, LabCorp
Classification: Likely pathogenic for Peroxisome biogenesis disorder. Last evaluated: 2023-01-11. Review status: criteria provided, single submitter. Criteria: LabCorp Variant Classification Summary - May 2015. Collection method: clinical testing. Allele origin: germline.
Comment: Variant summary: PEX1 c.1583_1587delTACAA (p.Ile528SerfsX13) results in a premature termination codon, predicted to cause a truncation of the encoded protein or absence of the protein due to nonsense mediated decay, which are commonly known mechanisms for disease. Truncations downstream of this position have been classified as pathogenic by our laboratory. The variant was absent in 248090 control chromosomes. To our knowledge, no occurrence of c.1583_1587delTACAA in individuals affected with Zellweger Syndrome and no experimental evidence demonstrating its impact on protein function have been reported. No clinical diagnostic laboratories have submitted clinical-significance assessments for this variant to ClinVar after 2014. Based on the evidence outlined above, the variant was classified as likely pathogenic.

Literature cited by the submitters: PubMed 21031596 (cited by Labcorp Genetics (formerly Invitae), Labcorp); PubMed 26387595 (cited by Labcorp Genetics (formerly Invitae), Labcorp); PubMed 31831025 (cited by Labcorp Genetics (formerly Invitae), Labcorp).

NM_000466.3(PEX1):c.1583_1587del (p.Ile528fs)

Gene: PEX1 (peroxisomal biogenesis factor 1; minus strand). Cytogenetic location: 7q21.2.
Variant type: Microsatellite.
Coding change: c.1583_1587del on transcript NM_000466.3 (MANE Select); coding-DNA positions 1583 to 1587, 5 bases deleted (TACAA; older notation c.1583_1587delTACAA).
Protein change: p.Ile528fs; shifts the reading frame from isoleucine 528.
Molecular consequence: frameshift variant.
Genome position (GRCh38, 1-based): chr7:92,510,944-92,510,948, TTGTA deleted on the plus strand (TACAA on the coding strand, the reverse complement: PEX1 is on the minus strand); deleting any 5 consecutive bases within chr7:92,510,944-92,510,953 gives the same sequence; the c. name uses the placement nearest the transcript's 3' end. VCF-style (leftmost placement, unchanged base first): chr7-92510943-CTTGTA-C. GRCh37 (hg19) VCF-style: chr7-92140257-CTTGTA-C.
Other names: c.1583_1587del, p.Ile528fs (NM_001282677.2); c.959_963del, p.Ile320fs (NM_001282678.2); short protein forms I320fs, I528fs.
Identifiers: ClinVar variation 2429151 (VCV002429151.9), dbSNP rs2484685603, ClinGen allele CA2580615932.